The following is an entry in ClinVar:

ClinVar aggregate classification (germline): Uncertain significance (1 of 4 stars; one submission).

Allele frequency attached by ClinVar (database versions not stated): gnomAD exomes 0.00001 and 0.00003; TOPMed 0.00002.
gnomAD v4.1: 5 of 1,551,440 alleles (0.00032%); highest among the groups gnomAD compares: Admixed American, 0.0098%; no homozygotes.

Submission:

Labcorp Genetics (formerly Invitae), Labcorp
Classification: Uncertain significance. Last evaluated: 2022-07-29. Review status: criteria provided, single submitter. Criteria: Invitae Variant Classification Sherloc (09022015). Collection method: clinical testing. Allele origin: germline.
Comment: In summary, the available evidence is currently insufficient to determine the role of this variant in disease. Therefore, it has been classified as a Variant of Uncertain Significance. Algorithms developed to predict the effect of missense changes on protein structure and function are either unavailable or do not agree on the potential impact of this missense change (SIFT: "Not Available"; PolyPhen-2: "Possibly Damaging"; Align-GVGD: "Not Available"). ClinVar contains an entry for this variant (Variation ID: 1404790). This variant has not been reported in the literature in individuals affected with UNC80-related conditions. This variant is present in population databases (no rsID available, gnomAD 0.02%). This sequence change replaces glutamic acid, which is acidic and polar, with glutamine, which is neutral and polar, at codon 2282 of the UNC80 protein (p.Glu2282Gln).

NM_001371986.1(UNC80):c.7042G>C (p.Glu2348Gln)

Gene: UNC80 (unc-80 homolog, NALCN channel complex subunit; plus strand). Cytogenetic location: 2q34.
Variant type: single nucleotide variant.
Coding change: c.7042G>C on transcript NM_001371986.1 (MANE Select); coding-DNA position 7042, G replaced by C.
Protein change: p.Glu2348Gln; replaces glutamic acid 2348 with glutamine.
Molecular consequence: missense variant.
Genome position (GRCh38, 1-based): chr2:209,943,506, G>C. VCF-style: chr2-209943506-G-C. GRCh37 (hg19) VCF-style: chr2-210808230-G-C.
Other names: c.6844G>C, p.Glu2282Gln (NM_032504.2); c.6829G>C, p.Glu2277Gln (NM_182587.4); short protein forms E2277Q, E2282Q, E2348Q.
Identifiers: ClinVar variation 1404790 (VCV001404790.5), dbSNP rs958429913, ClinGen allele CA65042836.